The following is an entry in ClinVar:

NM_000093.5(COL5A1):c.1724C>A (p.Pro575His)

Gene: COL5A1 (collagen type V alpha 1 chain; plus strand). Cytogenetic location: 9q34.3.
Variant type: single nucleotide variant.
Coding change: c.1724C>A on transcript NM_000093.5 (MANE Select); coding-DNA position 1724, C replaced by A.
Protein change: p.Pro575His; replaces proline 575 with histidine.
Molecular consequence: missense variant.
Genome position (GRCh38, 1-based): chr9:134,753,854, C>A. VCF-style: chr9-134753854-C-A. GRCh37 (hg19) VCF-style: chr9-137645700-C-A.
Other names: c.1724C>A, p.Pro575His (NM_001278074.1); short protein forms P575H.
Identifiers: ClinVar variation 2574542 (VCV002574542.5), dbSNP rs1192447986, ClinGen allele CA375444768.
Genomic context (GRCh38, chr9:134,753,854, plus strand): 5'-CTGTGTTCTCGAGTCCCCACCTCGAGCAGACATTAACACACACCATGTCTCCCTAGGGTC[C>A]CCCTGGGAGCGGAGGTTTGAAGGGCGAGCCGGGAGACGTGGGGCCTCAGGTATGTGGGAT-3'
Protein context (NP_000084.3, residues 565-585): GLTGRPGPVG[Pro575His]PGSGGLKGEP

ClinVar aggregate classification (germline): Conflicting classifications of pathogenicity. Review status: criteria provided, conflicting classifications (1 of 4 stars). 3 submissions from 3 submitters: Uncertain significance (2); Likely benign (1). Last evaluated 2026-07-09.

Conditions:
Familial thoracic aortic aneurysm and aortic dissection (TAAD). Also called: Thoracic aortic aneurysms and dissections. Identifiers: Orphanet 91387, MedGen C4707243, MONDO:0019625.
Ehlers-Danlos syndrome, classic type, 1 (EDSCL1). Also called: EHLERS-DANLOS SYNDROME, GRAVIS TYPE; EHLERS-DANLOS SYNDROME, SEVERE CLASSIC TYPE; Ehlers-Danlos Syndrome, Classic Type, COL5A1-Related; Ehlers-Danlos syndrome, type 1; EDS I. Identifiers: MedGen C0268335, MONDO:0019567, OMIM 130000.

gnomAD v4.1: 7 of 1,613,298 alleles (0.00043%); highest among the groups gnomAD compares: Non-Finnish European, 0.00059%; no homozygotes.

Submissions (3):

Ambry Genetics
Classification: Uncertain significance for Familial thoracic aortic aneurysm and aortic dissection. Last evaluated: 2026-07-09. Review status: criteria provided, single submitter. Criteria: Ambry Variant Classification Scheme 2023. Collection method: clinical testing. Allele origin: germline.
Comment: The p.P575H variant (also known as c.1724C>A), located in coding exon 15 of the COL5A1 gene, results from a C to A substitution at nucleotide position 1724. The proline at codon 575 is replaced by histidine, an amino acid with similar properties. This amino acid position is conserved. In addition, the in silico prediction for this alteration is inconclusive. Based on the available evidence, the clinical significance of this variant remains unclear.

Labcorp Genetics (formerly Invitae), Labcorp
Classification: Likely benign for Ehlers-Danlos syndrome, classic type, 1. Last evaluated: 2024-05-01. Review status: criteria provided, single submitter. Criteria: Invitae Variant Classification Sherloc (09022015). Collection method: clinical testing. Allele origin: germline.

GeneDx
Classification: Uncertain significance. Last evaluated: 2023-01-30. Review status: criteria provided, single submitter. Criteria: GeneDx Variant Classification Process June 2021. Collection method: clinical testing. Allele origin: germline. Affected: yes.
Comment: Not observed at significant frequency in large population cohorts (gnomAD); In silico analysis supports that this missense variant does not alter protein structure/function; Has not been previously published as pathogenic or benign to our knowledge; Occurs in the triple helical domain at the X position in the canonical Gly-X-Y repeat; although this variant may have an effect on normal protein folding and function, missense substitution at the X position is not a common mechanism of disease (Symoens et al., 2012; HGMD); This variant is associated with the following publications: (PMID: 22696272)